The following is an entry in ClinVar:

ClinVar aggregate classification (germline): Likely pathogenic (1 of 4 stars; one submission).

Conditions:
VPS13A-related neurodegenerative disease. Also called: LEVINE-CRITCHLEY SYNDROME; Choreoacanthocytosis; Chorea-acanthocytosis; VPS13A Disease; Choreaacanthocytosis; ACANTHOCYTOSIS WITH NEUROLOGIC DISORDER. Identifiers: Orphanet 2388, MedGen C0393576, MONDO:0008695, OMIM 200150.

gnomAD v4.1: 5 of 1,613,476 alleles (0.00031%); highest among the groups gnomAD compares: Non-Finnish European, 0.00042%; no homozygotes.

Submission:

Natera, Inc.
Classification: Likely pathogenic for Choreaacanthocytosis. Last evaluated: 2025-03-22. Review status: criteria provided, single submitter. Criteria: Natera Variant Classification Schema (03/2026). Collection method: clinical testing. Allele origin: germline.
Comment: The c.76C>T variant in VPS13A is a nonsense variant predicted to introduce a stop codon at amino acid 26. This variant is expected to result in nonsense mediated decay, truncation, or a dysfunctional protein product. This variant is rare in the general population with a frequency below the threshold expected for the associated phenotype(s). Given the available evidence, this variant is classified as Likely Pathogenic.

NM_033305.3(VPS13A):c.76C>T (p.Gln26Ter)

Genes: VPS13A (vacuolar protein sorting 13 homolog A; plus strand), VPS13A-AS1 (VPS13A antisense RNA 1; minus strand). Cytogenetic location: 9q21.2.
Variant type: single nucleotide variant.
Coding change: c.76C>T on transcript NM_033305.3 (MANE Select); coding-DNA position 76, C replaced by T.
Protein change: p.Gln26Ter; replaces glutamine 26 with a stop codon.
Molecular consequence: nonsense. On other transcripts: non-coding transcript variant (1).
Genome position (GRCh38, 1-based): chr9:77,177,780, C>T. VCF-style: chr9-77177780-C-T. GRCh37 (hg19) VCF-style: chr9-79792696-C-T.
Other names: c.76C>T, p.Gln26Ter (NM_001018037.2, NM_001018038.3, NM_015186.4); short protein forms Q26*.
Identifiers: ClinVar variation 4062985 (VCV004062985.2).